The following is an entry in ClinVar:

ClinVar aggregate classification (germline): Uncertain significance (1 of 4 stars; one submission).

Conditions:
Walker-Warburg congenital muscular dystrophy. Also called: Muscular dystrophy-dystroglycanopathy, type A; Walker-Warburg syndrome. Identifiers: Orphanet 899, MedGen C0265221, MONDO:0000171.

Submission:

Labcorp Genetics (formerly Invitae), Labcorp
Classification: Uncertain significance for Walker-Warburg congenital muscular dystrophy. Last evaluated: 2021-08-26. Review status: criteria provided, single submitter. Criteria: Invitae Variant Classification Sherloc (09022015). Collection method: clinical testing. Allele origin: germline.
Comment: This sequence change replaces valine with glutamic acid at codon 129 of the FKRP protein (p.Val129Glu). The valine residue is highly conserved and there is a moderate physicochemical difference between valine and glutamic acid. The frequency data for this variant in the population databases is considered unreliable, as metrics indicate insufficient coverage at this position in the ExAC database. This variant has not been reported in the literature in individuals affected with FKRP-related conditions. Algorithms developed to predict the effect of missense changes on protein structure and function are either unavailable or do not agree on the potential impact of this missense change (SIFT: "Deleterious"; PolyPhen-2: "Benign"; Align-GVGD: "Class C0"). In summary, the available evidence is currently insufficient to determine the role of this variant in disease. Therefore, it has been classified as a Variant of Uncertain Significance.

NM_024301.5(FKRP):c.386T>A (p.Val129Glu)

Gene: FKRP (fukutin related protein; plus strand). Cytogenetic location: 19q13.32.
Variant type: single nucleotide variant.
Coding change: c.386T>A on transcript NM_024301.5 (MANE Select); coding-DNA position 386, T replaced by A.
Protein change: p.Val129Glu; replaces valine 129 with glutamic acid.
Molecular consequence: missense variant.
Genome position (GRCh38, 1-based): chr19:46,755,836, T>A. VCF-style: chr19-46755836-T-A. GRCh37 (hg19) VCF-style: chr19-47259093-T-A.
Other names: c.386T>A, p.Val129Glu (NM_001039885.3); short protein forms V129E.
Identifiers: ClinVar variation 657405 (VCV000657405.6), dbSNP rs1599934959, ClinGen allele CA406495226.
Genomic context (GRCh38, chr19:46,755,836, plus strand): 5'-ACCGGCCAGCCGCAGCCTCGCGCCCGGAGACCTACGTGGCCACCGAGTTTGTGGCCCTAG[T>A]ACCTGATGGGGCGCGGGCTGAGGCACCTGGCCTGCTGGAGCGCATGGTGGAGGCGCTCCG-3'
Protein context (NP_077277.1, residues 119-139): TYVATEFVAL[Val129Glu]PDGARAEAPG